The following is an entry in ClinVar:

ClinVar aggregate classification (germline): Uncertain significance (1 of 4 stars; one submission).

Conditions:
Chédiak-Higashi syndrome (CHS). Also called: Chediak-Higashi Syndrome. Identifiers: Orphanet 167, MedGen C0007965, MONDO:0008963, OMIM 214500.

Allele frequency attached by ClinVar (database versions not stated): gnomAD 0.00001.
gnomAD v4.1: 1 of 1,613,994 alleles (0.000062%); highest among the groups gnomAD compares: South Asian, 0.0011%; no homozygotes.

Submission:

Labcorp Genetics (formerly Invitae), Labcorp
Classification: Uncertain significance for Chédiak-Higashi syndrome. Last evaluated: 2024-03-11. Review status: criteria provided, single submitter. Criteria: Invitae Variant Classification Sherloc (09022015). Collection method: clinical testing. Allele origin: germline.
Comment: This sequence change replaces leucine, which is neutral and non-polar, with isoleucine, which is neutral and non-polar, at codon 3326 of the LYST protein (p.Leu3326Ile). This variant is not present in population databases (gnomAD no frequency). This variant has not been reported in the literature in individuals affected with LYST-related conditions. ClinVar contains an entry for this variant (Variation ID: 2006801). Advanced modeling of protein sequence and biophysical properties (such as structural, functional, and spatial information, amino acid conservation, physicochemical variation, residue mobility, and thermodynamic stability) performed at Invitae indicates that this missense variant is expected to disrupt LYST protein function with a positive predictive value of 80%. In summary, the available evidence is currently insufficient to determine the role of this variant in disease. Therefore, it has been classified as a Variant of Uncertain Significance.

NM_000081.4(LYST):c.9976C>A (p.Leu3326Ile)

Genes: LYST (lysosomal trafficking regulator; minus strand), LOC126806063 (MED14-independent group 3 enhancer GRCh37_chr1:235871544-235872743; plus strand). Cytogenetic location: 1q42.3.
Variant type: single nucleotide variant.
Coding change: c.9976C>A on transcript NM_000081.4 (MANE Select); coding-DNA position 9976, C replaced by A.
Protein change: p.Leu3326Ile; replaces leucine 3326 with isoleucine.
Molecular consequence: missense variant.
Genome position (GRCh38, 1-based): chr1:235,709,258, G>T on the plus strand (C>A on the coding strand, the complement: LYST is on the minus strand). VCF-style: chr1-235709258-G-T. GRCh37 (hg19) VCF-style: chr1-235872558-G-T.
Other names: c.9976C>A, p.Leu3326Ile (NM_001301365.1); short protein forms L3326I.
Identifiers: ClinVar variation 2006801 (VCV002006801.4), dbSNP rs1662217033, ClinGen allele CA344935688.
Genomic context (GRCh38, chr1:235,709,258, plus strand): 5'-CTAGAGCCTGCCGATGGATGAGGATAAAAAGACGAGGATCATTACGCGCCCAAGGGGGAA[G>T]GTTGACGTGATTAACCCGTTCACCATTCTGACGCACACCAAAATCAAAACCTAAAAGAGA-3'
Protein context (NP_000072.2, residues 3316-3336): QNGERVNHVN[Leu3326Ile]PPWARNDPRL